The following is an entry in ClinVar:

ClinVar aggregate classification (germline): Pathogenic/Likely pathogenic. Review status: criteria provided, multiple submitters, no conflicts (2 of 4 stars). 3 submissions from 3 submitters: Pathogenic (2); Likely pathogenic (1). Last evaluated 2021-12-24.

Conditions:
Bethlem myopathy 1A. Also called: Bethlem Muscular Dystrophy; MYOPATHY, BENIGN CONGENITAL, WITH CONTRACTURES; Bethlem myopathy 1. Identifiers: Orphanet 610, MedGen CN029274, MONDO:0024530, OMIM 158810.

Submissions (3):

Labcorp Genetics (formerly Invitae), Labcorp
Classification: Pathogenic for Bethlem myopathy 1A. Last evaluated: 2021-12-24. Review status: criteria provided, single submitter. Criteria: Invitae Variant Classification Sherloc (09022015). Collection method: clinical testing. Allele origin: germline.
Comment: Advanced modeling of protein sequence and biophysical properties (such as structural, functional, and spatial information, amino acid conservation, physicochemical variation, residue mobility, and thermodynamic stability) performed at Invitae indicates that this missense variant is expected to disrupt COL6A2 protein function. This variant disrupts the triple helix domain of COL6A2. Glycine residues within the Gly-Xaa-Yaa repeats of the triple helix domain are required for the structure and stability of fibrillar collagens (PMID: 7695699, 8218237, 19344236). In COL6A2, missense variants at these glycine residues are significantly enriched in individuals with autosomal dominant disease (PMID: 15689448, 24038877) compared to the general population (ExAC). This variant disrupts the p.Gly283 amino acid residue in COL6A2. Other variant(s) that disrupt this residue have been observed in individuals with COL6A2-related conditions (PMID: 15689448, 24038877), which suggests that this may be a clinically significant amino acid residue. For these reasons, this variant has been classified as Pathogenic. This sequence change replaces glycine, which is neutral and non-polar, with glutamic acid, which is acidic and polar, at codon 283 of the COL6A2 protein (p.Gly283Glu). This variant is not present in population databases (gnomAD no frequency). This missense change has been observed in individual(s) with autosomal dominant Bethlem myopathy (PMID: 24038877). ClinVar contains an entry for this variant (Variation ID: 289114).

GeneDx
Classification: Pathogenic. Last evaluated: 2019-08-26. Review status: criteria provided, single submitter. Criteria: GeneDx Variant Classification Process June 2021. Collection method: clinical testing. Allele origin: germline. Affected: yes.
Comment: This variant replaces the Glycine position in the GXY motif within the triple helical region of the COL6A2 protein; Not observed in large population cohorts (Lek et al., 2016); In silico analysis, which includes protein predictors and evolutionary conservation, supports a deleterious effect; This variant is associated with the following publications: (PMID: 29277723, 24038877)

Eurofins Ntd Llc (ga)
Classification: Likely pathogenic. Last evaluated: 2016-07-26. Review status: criteria provided, single submitter. Criteria: EGL Classification Definitions 2015. Collection method: clinical testing. Allele origin: germline. Observed: 1 variant allele, 1 heterozygote.

Literature cited by the submitters: PubMed 7695699 (cited by Labcorp Genetics (formerly Invitae), Labcorp); PubMed 8218237 (cited by Labcorp Genetics (formerly Invitae), Labcorp); PubMed 19344236 (cited by Labcorp Genetics (formerly Invitae), Labcorp); PubMed 15689448 (cited by Labcorp Genetics (formerly Invitae), Labcorp); PubMed 24038877 (cited by Labcorp Genetics (formerly Invitae), Labcorp).

NM_001849.4(COL6A2):c.848G>A (p.Gly283Glu)

Gene: COL6A2 (collagen type VI alpha 2 chain; plus strand). Cytogenetic location: 21q22.3.
Variant type: single nucleotide variant.
Coding change: c.848G>A on transcript NM_001849.4 (MANE Select); coding-DNA position 848, G replaced by A.
Protein change: p.Gly283Glu; replaces glycine 283 with glutamic acid.
Molecular consequence: missense variant.
Genome position (GRCh38, 1-based): chr21:46,115,918, G>A. VCF-style: chr21-46115918-G-A. GRCh37 (hg19) VCF-style: chr21-47535832-G-A.
Other names: c.848G>A, p.Gly283Glu (NM_058174.3, NM_058175.3); short protein forms G283E.
Identifiers: ClinVar variation 289114 (VCV000289114.14), dbSNP rs886044088, ClinGen allele CA10606332.
Genomic context (GRCh38, chr21:46,115,918, plus strand): 5'-TTCTCTGCTTTTAGGGTGCCAAGGGCAACATGGGTGAGCCGGGAGAGCCTGGCCAGAAGG[G>A]AAGACAGGTGAGTGTCCTTGCCCCACGCCCGCCCCGCCTGCAGCCCAGCGCCCCAGGGCT-3'
Protein context (NP_001840.3, residues 273-293): MGEPGEPGQK[Gly283Glu]RQGDPGIEGP